The following is an entry in ClinVar:

ClinVar aggregate classification (germline): Benign (1 of 4 stars; one submission).

Allele frequency attached by ClinVar (database versions not stated): 1000 Genomes Project 0.15695; 1000 Genomes Project 30x 0.15943; TOPMed 0.19252; gnomAD 0.19332; gnomAD exomes 0.21764.
gnomAD v4.1: 344,299 of 1,600,510 alleles (22%); highest among the groups gnomAD compares: Non-Finnish European, 23%; 38,287 homozygotes.

Submission:

Unidad de Genómica Garrahan, Hospital de Pediatría Garrahan
Classification: Benign. Last evaluated: 2024-01-24. Review status: criteria provided, single submitter. Criteria: ACMG Guidelines, 2015. Collection method: clinical testing. Allele origin: germline. Affected: no. Observed: 29 variant alleles.
Comment: This variant is classified as Benign based on local population frequency. This variant was detected in 33% of patients studied by a panel of primary immunodeficiencies. Number of patients: 29. Only high quality variants are reported.

NM_199242.3(UNC13D):c.388+81G>A

Gene: UNC13D (unc-13 homolog D; minus strand). Cytogenetic location: 17q25.1.
Variant type: single nucleotide variant.
Coding change: c.388+81G>A on transcript NM_199242.3 (MANE Select); 81 bases into the intron after coding-DNA position 388, G replaced by A.
Molecular consequence: intron variant.
Genome position (GRCh38, 1-based): chr17:75,842,776, C>T on the plus strand (G>A on the coding strand, the complement: UNC13D is on the minus strand). VCF-style: chr17-75842776-C-T. GRCh37 (hg19) VCF-style: chr17-73838857-C-T.
Identifiers: ClinVar variation 2688455 (VCV002688455.2), dbSNP rs11870883, ClinGen allele CA14488419.
Genomic context (GRCh38, chr17:75,842,776, plus strand): 5'-GGAAGGGGACCAGCAGCATGGGGGGCCAGCGCTACAGGGCTTCTTGGAAGTGGGTGCTCC[C>T]GCCAAGAGTCCTGGGCCAGGCTGTGATGGGAGAGGAAGGAGCCAGGAAGAAGCCCCTTGG-3'